The following is an entry in ClinVar:

ClinVar aggregate classification (germline): Conflicting classifications of pathogenicity. Review status: criteria provided, conflicting classifications (1 of 4 stars). 8 submissions from 8 submitters: Uncertain significance (1); Benign (1); Likely benign (3). 3 of the submissions do not count toward it. Last evaluated 2026-07-01.

Conditions:
ROBO4-related disorder. Also called: ROBO4-related condition.
Aortic valve disease 3. Identifiers: MedGen C5193127, MONDO:0032783, OMIM 618496.
Familial thoracic aortic aneurysm and aortic dissection (TAAD). Also called: Thoracic aortic aneurysms and dissections. Identifiers: Orphanet 91387, MedGen C4707243, MONDO:0019625.

Allele frequency attached by ClinVar (database versions not stated): 1000 Genomes Project 30x 0.00125; 1000 Genomes Project 0.00140; TOPMed 0.00259; gnomAD 0.00284 and 0.00297; ESP Exome Variant Server 0.00362; gnomAD exomes 0.00441.
gnomAD v4.1: 6,845 of 1,613,572 alleles (0.42%); highest among the groups gnomAD compares: Non-Finnish European, 0.51%; 29 homozygotes.

Submissions (8):

CeGaT Center for Human Genetics Tuebingen
Classification: Likely benign. Last evaluated: 2026-07-01. Review status: criteria provided, single submitter. Criteria: CeGaT Center For Human Genetics Tuebingen Variant Classification Criteria Version 2. Collection method: clinical testing. Allele origin: germline. Affected: yes. Observed: 5 variant alleles.
Comment: ROBO4: BP4, BS2

Ambry Genetics
Classification: Uncertain significance. Last evaluated: 2025-10-24. Review status: criteria provided, single submitter. Criteria: Ambry Variant Classification Scheme 2023. Collection method: clinical testing. Allele origin: germline.

CHEO Genetics Diagnostic Laboratory, Children's Hospital of Eastern Ontario
Classification: Benign for Familial thoracic aortic aneurysm and aortic dissection. Last evaluated: 2023-04-28. Review status: criteria provided, single submitter. Criteria: ACMG Guidelines, 2015. Collection method: clinical testing. Allele origin: germline.

Fulgent Genetics
Classification: Likely benign for Aortic valve disease 3. Last evaluated: 2022-04-28. Review status: criteria provided, single submitter. Criteria: ACMG Guidelines, 2015. Collection method: clinical testing. Allele origin: unknown.

Breakthrough Genomics
Classification: Likely benign. Review status: criteria provided, single submitter. Criteria: ACMG Guidelines, 2015. Collection method: not provided. Allele origin: germline. Inheritance: Autosomal dominant inheritance. Affected: yes.

PreventionGenetics, part of Exact Sciences
Classification: Likely benign for ROBO4-related condition. Last evaluated: 2019-05-27. Review status: no assertion criteria provided. Collection method: clinical testing. Allele origin: germline. Not counted in ClinVar's aggregate classification.
Comment: This variant is classified as likely benign based on ACMG/AMP sequence variant interpretation guidelines (Richards et al. 2015 PMID: 25741868, with internal and published modifications).

Clinical Genetics DNA and cytogenetics Diagnostics Lab, Erasmus MC, Erasmus Medical Center
Classification: Likely benign. Review status: no assertion criteria provided. Collection method: clinical testing. Allele origin: germline. Affected: yes. Study: VKGL Data-share Consensus. Not counted in ClinVar's aggregate classification.

Genome Diagnostics Laboratory, University Medical Center Utrecht
Classification: Benign. Review status: no assertion criteria provided. Collection method: clinical testing. Allele origin: germline. Affected: yes. Study: VKGL Data-share Consensus. Not counted in ClinVar's aggregate classification.

NM_019055.6(ROBO4):c.1985G>A (p.Gly662Asp)

Gene: ROBO4 (roundabout guidance receptor 4; minus strand). Cytogenetic location: 11q24.2.
Variant type: single nucleotide variant.
Coding change: c.1985G>A on transcript NM_019055.6 (MANE Select); coding-DNA position 1985, G replaced by A.
Protein change: p.Gly662Asp; replaces glycine 662 with aspartic acid.
Molecular consequence: missense variant.
Genome position (GRCh38, 1-based): chr11:124,887,804, C>T on the plus strand (G>A on the coding strand, the complement: ROBO4 is on the minus strand). VCF-style: chr11-124887804-C-T. GRCh37 (hg19) VCF-style: chr11-124757700-C-T.
Other names: c.1985G>A (NM_019055.5); c.1550G>A, p.Gly517Asp (NM_001301088.2); short protein forms G517D, G662D.
Identifiers: ClinVar variation 1284937 (VCV001284937.30), dbSNP rs145067866, ClinGen allele CA6344743.